The following is an entry in ClinVar:

NM_006005.3(WFS1):c.1232C>T (p.Ser411Phe)

Gene: WFS1 (wolframin ER transmembrane glycoprotein; plus strand). Cytogenetic location: 4p16.1.
Variant type: single nucleotide variant.
Coding change: c.1232C>T on transcript NM_006005.3 (MANE Select); coding-DNA position 1232, C replaced by T.
Protein change: p.Ser411Phe; replaces serine 411 with phenylalanine.
Molecular consequence: missense variant.
Genome position (GRCh38, 1-based): chr4:6,301,027, C>T. VCF-style: chr4-6301027-C-T. GRCh37 (hg19) VCF-style: chr4-6302754-C-T.
Other names: c.1232C>T, p.Ser411Phe (NM_001145853.1); short protein forms S411F.
Identifiers: ClinVar variation 1438079 (VCV001438079.8), dbSNP rs961779757, ClinGen allele CA91796239.

ClinVar aggregate classification (germline): Uncertain significance. Review status: criteria provided, multiple submitters, no conflicts (2 of 4 stars). 3 submissions from 3 submitters: Uncertain significance (3). Last evaluated 2025-08-11.

Conditions:
Autosomal dominant nonsyndromic hearing loss 6 (LFSNHL). Also called: DEAFNESS, AUTOSOMAL DOMINANT 14; DEAFNESS, AUTOSOMAL DOMINANT 38; DEAFNESS, AUTOSOMAL DOMINANT 6; Autosomal dominant nonsyndromic deafness 6. Identifiers: Orphanet 90635, MedGen C1833021, MONDO:0010963, OMIM 600965.
Type 2 diabetes mellitus. Also called: Type II diabetes mellitus. Identifiers: MedGen C0011860, MeSH D003924, MONDO:0005148, OMIM 125853, HP:0005978.
Cataract 41 (CTRCT41). Also called: CATARACT 41, CONGENITAL NUCLEAR TYPE. Identifiers: Orphanet 91492, Orphanet 98991, Orphanet 98992, Orphanet 98995, MedGen C3805412, MONDO:0007287, OMIM 116400.
Wolfram syndrome 1 (WFS1). Identifiers: Orphanet 3463, MedGen C4551693, MONDO:0009101, OMIM 222300.
Wolfram-like syndrome. Also called: HEARING LOSS, PROGRESSIVE, WITH OPTIC ATROPHY AND/OR IMPAIRED GLUCOSE REGULATION. Identifiers: Orphanet 411590, MedGen C3280358, MONDO:0013673, OMIM 614296.

Allele frequency attached by ClinVar (database versions not stated): TOPMed 0.00002.
gnomAD v4.1: 13 of 1,614,170 alleles (0.00081%); highest among the groups gnomAD compares: African/African-American, 0.0013%; no homozygotes.

Submissions (3):

GeneDx
Classification: Uncertain significance. Last evaluated: 2025-08-11. Review status: criteria provided, single submitter. Criteria: GeneDx Variant Classification Process June 2021. Collection method: clinical testing. Allele origin: germline. Affected: yes.
Comment: Identified in a patient with hearing loss who also harbored two variants in the CDH23 gene (in trans) in published literature (PMID: 34752165); Not observed at significant frequency in large population cohorts (gnomAD); In silico analysis supports that this missense variant has a deleterious effect on protein structure/function; This variant is associated with the following publications: (PMID: 34752165)

Fulgent Genetics
Classification: Uncertain significance for Cataract 41; Type 2 diabetes mellitus; Wolfram syndrome 1; Autosomal dominant nonsyndromic hearing loss 6; Wolfram-like syndrome. Last evaluated: 2024-03-30. Review status: criteria provided, single submitter. Criteria: ACMG Guidelines, 2015. Collection method: clinical testing. Allele origin: germline.

Labcorp Genetics (formerly Invitae), Labcorp
Classification: Uncertain significance. Last evaluated: 2023-10-06. Review status: criteria provided, single submitter. Criteria: Invitae Variant Classification Sherloc (09022015). Collection method: clinical testing. Allele origin: germline.
Comment: This sequence change replaces serine, which is neutral and polar, with phenylalanine, which is neutral and non-polar, at codon 411 of the WFS1 protein (p.Ser411Phe). This variant is not present in population databases (gnomAD no frequency). This missense change has been observed in individual(s) with deafness (PMID: 34752165). ClinVar contains an entry for this variant (Variation ID: 1438079). Advanced modeling of protein sequence and biophysical properties (such as structural, functional, and spatial information, amino acid conservation, physicochemical variation, residue mobility, and thermodynamic stability) has been performed at Invitae for this missense variant, however the output from this modeling did not meet the statistical confidence thresholds required to predict the impact of this variant on WFS1 protein function. In summary, the available evidence is currently insufficient to determine the role of this variant in disease. Therefore, it has been classified as a Variant of Uncertain Significance.

Literature cited by the submitters: PubMed 34752165 (cited by Labcorp Genetics (formerly Invitae), Labcorp).